The following is an entry in ClinVar:

ClinVar aggregate classification (germline): Pathogenic (1 of 4 stars; one submission).

Conditions:
Ataxia-telangiectasia syndrome (AT). Also called: ATAXIA-TELANGIECTASIA, COMPLEMENTATION GROUP A; ATAXIA-TELANGIECTASIA, FRESNO VARIANT; Ataxia-telangiectasia; Ataxia-telangiectasia, complementation group E; LOUIS-BAR SYNDROME; Cerebello-oculocutaneous telangiectasia. Identifiers: Orphanet 100, MedGen C0004135, MONDO:0008840, OMIM 208900.

Submission:

Labcorp Genetics (formerly Invitae), Labcorp
Classification: Pathogenic for Ataxia-telangiectasia syndrome. Last evaluated: 2024-01-11. Review status: criteria provided, single submitter. Criteria: Invitae Variant Classification Sherloc (09022015). Collection method: clinical testing. Allele origin: germline.
Comment: This sequence change results in a frameshift in the ATM gene (p.Asn3044Ilefs*31). While this is not anticipated to result in nonsense mediated decay, it is expected to disrupt the last 13 amino acid(s) of the ATM protein and extend the protein by 17 additional amino acid residues. This variant is not present in population databases (gnomAD no frequency). This frameshift has been observed in individual(s) with clinical features of ataxia-telangiectasia (PMID: 32754152). This variant disrupts a region of the ATM protein in which other variant(s) (p.Arg3047*) have been determined to be pathogenic (PMID: 8755918, 10980530, 18560558, 19691550, 26628246). This suggests that this is a clinically significant region of the protein, and that variants that disrupt it are likely to be disease-causing. For these reasons, this variant has been classified as Pathogenic.

Literature cited by the submitters: PubMed 32754152; PubMed 8755918; PubMed 10980530; PubMed 18560558; PubMed 19691550; PubMed 26628246.

NM_000051.4(ATM):c.9126del (p.Asn3044fs)

Genes: ATM (ATM serine/threonine kinase; plus strand), C11orf65 (chromosome 11 open reading frame 65; minus strand). Cytogenetic location: 11q22.3.
Variant type: Deletion.
Coding change: c.9126del on transcript NM_000051.4 (MANE Select); coding-DNA position 9126, one base deleted (C; older notation c.9126delC).
Protein change: p.Asn3044fs; shifts the reading frame from asparagine 3044.
Molecular consequence: frameshift variant. On other transcripts: intron variant (2).
Genome position (GRCh38, 1-based): chr11:108,365,463, C deleted; the last of 4 consecutive C bases (chr11:108,365,460-108,365,463); deleting any one gives the same sequence. VCF-style (leftmost placement, unchanged base first): chr11-108365459-AC-A. GRCh37 (hg19) VCF-style: chr11-108236186-AC-A.
Other names: c.9126del, p.Asn3044fs (NM_001351834.2); c.640+20460del (NM_001330368.2); c.694+20460del (NM_001351110.2); short protein forms N3044fs.
Identifiers: ClinVar variation 2982304 (VCV002982304.3), dbSNP rs2547686641, ClinGen allele CA2695215521.